The following is an entry in ClinVar:

ClinVar aggregate classification (germline): Uncertain significance. Review status: criteria provided, multiple submitters, no conflicts (2 of 4 stars). 2 submissions from 2 submitters: Uncertain significance (2). Last evaluated 2025-04-18.

Conditions:
Hereditary cancer-predisposing syndrome. Also called: Hereditary neoplastic syndrome; Neoplastic Syndromes, Hereditary; Hereditary Cancer Syndrome; Tumor predisposition. Identifiers: Orphanet 140162, MedGen C0027672, MeSH D009386, MONDO:0015356.
Gastrointestinal stromal tumor. Also called: Gastrointestinal stroma tumor; Gastrointestinal stromal tumor, somatic. Identifiers: Orphanet 44890, MedGen C0238198, MeSH D046152, MONDO:0011719, OMIM 606764, HP:0100723.

Submissions (2):

Ambry Genetics
Classification: Uncertain significance for Hereditary cancer-predisposing syndrome. Last evaluated: 2025-04-18. Review status: criteria provided, single submitter. Criteria: Ambry Variant Classification Scheme 2023. Collection method: clinical testing. Allele origin: germline.
Comment: The p.S88R variant (also known as c.262A>C), located in coding exon 2 of the PDGFRA gene, results from an A to C substitution at nucleotide position 262. The serine at codon 88 is replaced by arginine, an amino acid with dissimilar properties. This amino acid position is conserved. In addition, this alteration is predicted to be tolerated by in silico analysis. Based on the available evidence, the clinical significance of this variant remains unclear.

Labcorp Genetics (formerly Invitae), Labcorp
Classification: Uncertain significance for Gastrointestinal stromal tumor. Last evaluated: 2022-02-21. Review status: criteria provided, single submitter. Criteria: Invitae Variant Classification Sherloc (09022015). Collection method: clinical testing. Allele origin: germline.
Comment: This sequence change replaces serine, which is neutral and polar, with arginine, which is basic and polar, at codon 88 of the PDGFRA protein (p.Ser88Arg). This variant is not present in population databases (gnomAD no frequency). In summary, the available evidence is currently insufficient to determine the role of this variant in disease. Therefore, it has been classified as a Variant of Uncertain Significance. Algorithms developed to predict the effect of missense changes on protein structure and function (SIFT, PolyPhen-2, Align-GVGD) all suggest that this variant is likely to be tolerated. This variant has not been reported in the literature in individuals affected with PDGFRA-related conditions.

NM_006206.6(PDGFRA):c.262A>C (p.Ser88Arg)

Gene: PDGFRA (platelet derived growth factor receptor alpha; plus strand). Cytogenetic location: 4q12.
Variant type: single nucleotide variant.
Coding change: c.262A>C on transcript NM_006206.6 (MANE Select); coding-DNA position 262, A replaced by C.
Protein change: p.Ser88Arg; replaces serine 88 with arginine.
Molecular consequence: missense variant.
Genome position (GRCh38, 1-based): chr4:54,261,307, A>C. VCF-style: chr4-54261307-A-C. GRCh37 (hg19) VCF-style: chr4-55127474-A-C.
Other names: c.262A>C, p.Ser88Arg (NM_001347827.2, NM_001347829.2); c.337A>C, p.Ser113Arg (NM_001347828.2); c.301A>C, p.Ser101Arg (NM_001347830.2); short protein forms S101R, S88R, S113R.
Identifiers: ClinVar variation 2101194 (VCV002101194.5), dbSNP rs2475422852, ClinGen allele CA356888697.